The following is an entry in ClinVar:

NM_007294.4(BRCA1):c.4429T>G (p.Phe1477Val)

Gene: BRCA1 (BRCA1 DNA repair associated; minus strand). Cytogenetic location: 17q21.31.
Variant type: single nucleotide variant.
Coding change: c.4429T>G on transcript NM_007294.4 (MANE Select); coding-DNA position 4429, T replaced by G.
Protein change: p.Phe1477Val; replaces phenylalanine 1477 with valine.
Molecular consequence: missense variant. On other transcripts: non-coding transcript variant (1).
Genome position (GRCh38, 1-based): chr17:43,076,543, A>C on the plus strand (T>G on the coding strand, the complement: BRCA1 is on the minus strand). VCF-style: chr17-43076543-A-C. GRCh37 (hg19) VCF-style: chr17-41228560-A-C.
Other names: c.3922T>G, p.Phe1308Val (NM_001407965.1); c.3541T>G, p.Phe1181Val (NM_001407966.1); c.3538T>G, p.Phe1180Val (NM_001407967.1); c.1825T>G, p.Phe609Val (NM_001407968.1); c.1822T>G, p.Phe608Val (NM_001407969.1); c.1186T>G, p.Phe396Val (NM_001407970.1, NM_001407971.1); c.1183T>G, p.Phe395Val (NM_001407972.1); c.1117T>G, p.Phe373Val (NM_001407992.1, NM_001407993.1, NM_001407981.1 and 13 more transcripts); and 68 more; short protein forms F1477V, F1498V, F1430V, F373V, F1181V, F1365V, F1389V, F1408V.
Identifiers: ClinVar variation 850560 (VCV000850560.11), dbSNP rs2052729085, ClinGen allele CA10592677.

ClinVar aggregate classification (germline): Uncertain significance (1 of 4 stars; one submission).

Conditions:
Hereditary breast ovarian cancer syndrome. Also called: Hereditary breast and ovarian cancer syndrome; Breast and ovarian cancer; Hereditary breast and/or ovarian cancer syndrome; Hereditary breast and ovarian cancer; BRCA1- and BRCA2-Associated Hereditary Breast and Ovarian Cancer; Hereditary breast and ovarian cancer syndrome (HBOC). Identifiers: Orphanet 145, MedGen C0677776, MeSH D061325, MONDO:0003582. Disease mechanism: loss of function.

Submission:

Labcorp Genetics (formerly Invitae), Labcorp
Classification: Uncertain significance for Hereditary breast ovarian cancer syndrome. Last evaluated: 2020-03-11. Review status: criteria provided, single submitter. Criteria: Invitae Variant Classification Sherloc (09022015). Collection method: clinical testing. Allele origin: germline.
Comment: In summary, the available evidence is currently insufficient to determine the role of this variant in disease. Therefore, it has been classified as a Variant of Uncertain Significance. Algorithms developed to predict the effect of sequence changes on RNA splicing suggest that this variant may create or strengthen a splice site, but this prediction has not been confirmed by published transcriptional studies. Algorithms developed to predict the effect of missense changes on protein structure and function (SIFT, PolyPhen-2, Align-GVGD) all suggest that this variant is likely to be tolerated, but these predictions have not been confirmed by published functional studies and their clinical significance is uncertain. This variant has not been reported in the literature in individuals with BRCA1-related conditions. This variant is not present in population databases (ExAC no frequency). This sequence change replaces phenylalanine with valine at codon 1477 of the BRCA1 protein (p.Phe1477Val). The phenylalanine residue is moderately conserved and there is a small physicochemical difference between phenylalanine and valine.